The following is an entry in ClinVar:

NM_001136191.3(KANK2):c.1487G>A (p.Arg496Gln)

Gene: KANK2 (KN motif and ankyrin repeat domains 2; minus strand). Cytogenetic location: 19p13.2.
Variant type: single nucleotide variant.
Coding change: c.1487G>A on transcript NM_001136191.3 (MANE Select); coding-DNA position 1487, G replaced by A.
Protein change: p.Arg496Gln; replaces arginine 496 with glutamine.
Molecular consequence: missense variant.
Genome position (GRCh38, 1-based): chr19:11,178,378, C>T on the plus strand (G>A on the coding strand, the complement: KANK2 is on the minus strand). VCF-style: chr19-11178378-C-T. GRCh37 (hg19) VCF-style: chr19-11289054-C-T.
Other names: c.1487G>A, p.Arg496Gln (NM_001329451.2, NM_001379555.1, NM_001379556.1 and 7 more transcripts); c.1511G>A, p.Arg504Gln (NM_001379548.1, NM_001379549.1, NM_001379550.1 and 5 more transcripts); short protein forms R496Q, R504Q.
Identifiers: ClinVar variation 4693836 (VCV004693836.1).
Genomic context (GRCh38, chr19:11,178,378, plus strand): 5'-GTGGGGGGTGGGGTCTTCTCCTCTCACCCGCCGTTGACCCCCACGAACTGGAGGCTCCTC[C>T]GGTGGGCCGTGGGGTCTGCAACCTCCTCTTTCCGTTTCATGATAGATCGCACGCCTGCCG-3'
Protein context (NP_001129663.1, residues 486-506): KEEVADPTAH[Arg496Gln]RSLQFVGVNG

ClinVar aggregate classification (germline): Uncertain significance (1 of 4 stars; one submission).

gnomAD v4.1: 62 of 1,539,640 alleles (0.004%); highest among the groups gnomAD compares: South Asian, 0.038%; no homozygotes.

Submission:

Labcorp Genetics (formerly Invitae), Labcorp
Classification: Uncertain significance. Last evaluated: 2025-04-14. Review status: criteria provided, single submitter. Criteria: Invitae Variant Classification Sherloc (09022015). Collection method: clinical testing. Allele origin: germline.
Comment: This sequence change replaces arginine, which is basic and polar, with glutamine, which is neutral and polar, at codon 496 of the KANK2 protein (p.Arg496Gln). This variant is present in population databases (rs759156886, gnomAD 0.03%). This variant has not been reported in the literature in individuals affected with KANK2-related conditions. An algorithm developed to predict the effect of missense changes on protein structure and function outputs the following: PolyPhen-2: "Benign". The glutamine amino acid residue is found in multiple mammalian species, which suggests that this missense change does not adversely affect protein function. In summary, the available evidence is currently insufficient to determine the role of this variant in disease. Therefore, it has been classified as a Variant of Uncertain Significance.